The following is an entry in ClinVar:

NM_003640.5(ELP1):c.3498C>G (p.Phe1166Leu)

Gene: ELP1 (elongator acetyltransferase complex subunit 1; minus strand). Cytogenetic location: 9q31.3.
Variant type: single nucleotide variant.
Coding change: c.3498C>G on transcript NM_003640.5 (MANE Select); coding-DNA position 3498, C replaced by G.
Protein change: p.Phe1166Leu; replaces phenylalanine 1166 with leucine.
Molecular consequence: missense variant.
Genome position (GRCh38, 1-based): chr9:108,879,520, G>C on the plus strand (C>G on the coding strand, the complement: ELP1 is on the minus strand). VCF-style: chr9-108879520-G-C. GRCh37 (hg19) VCF-style: chr9-111641800-G-C.
Other names: c.3156C>G, p.Phe1052Leu (NM_001318360.2); c.2451C>G, p.Phe817Leu (NM_001330749.2); short protein forms F1052L, F817L, F1166L.
Identifiers: ClinVar variation 2189389 (VCV002189389.4), dbSNP rs764005359, ClinGen allele CA5174278.
Genomic context (GRCh38, chr9:108,879,520, plus strand): 5'-GTTACTATGGGAGTATTTGCCACTCATCTCACTGCCACTCACGACACTGCTAGTTTCAGA[G>C]AAGAGGTCTGACTCTTGCCCGTGGGGTACCTCATCATCTAGAAAAGAAGAACCAGAAGCC-3'
Protein context (NP_003631.2, residues 1156-1176): EVPHGQESDL[Phe1166Leu]SETSSVVSGS

ClinVar aggregate classification (germline): Uncertain significance (1 of 4 stars; one submission).

Allele frequency attached by ClinVar (database versions not stated): ExAC 0.00001.
gnomAD v4.1: 4 of 1,614,118 alleles (0.00025%); highest among the groups gnomAD compares: Non-Finnish European, 0.00034%; no homozygotes.

Submission:

Labcorp Genetics (formerly Invitae), Labcorp
Classification: Uncertain significance. Last evaluated: 2022-03-04. Review status: criteria provided, single submitter. Criteria: Invitae Variant Classification Sherloc (09022015). Collection method: clinical testing. Allele origin: germline.
Comment: In summary, the available evidence is currently insufficient to determine the role of this variant in disease. Therefore, it has been classified as a Variant of Uncertain Significance. Algorithms developed to predict the effect of missense changes on protein structure and function (SIFT, PolyPhen-2, Align-GVGD) all suggest that this variant is likely to be tolerated. This variant has not been reported in the literature in individuals affected with ELP1-related conditions. This variant is present in population databases (rs764005359, gnomAD 0.0009%). This sequence change replaces phenylalanine, which is neutral and non-polar, with leucine, which is neutral and non-polar, at codon 1166 of the ELP1 protein (p.Phe1166Leu).